The following is an entry in ClinVar:

NM_005560.6(LAMA5):c.3635C>T (p.Ala1212Val)

Gene: LAMA5 (laminin subunit alpha 5; minus strand). Cytogenetic location: 20q13.33.
Variant type: single nucleotide variant.
Coding change: c.3635C>T on transcript NM_005560.6 (MANE Select); coding-DNA position 3635, C replaced by T.
Protein change: p.Ala1212Val; replaces alanine 1212 with valine.
Molecular consequence: missense variant.
Genome position (GRCh38, 1-based): chr20:62,331,047, G>A on the plus strand (C>T on the coding strand, the complement: LAMA5 is on the minus strand). VCF-style: chr20-62331047-G-A. GRCh37 (hg19) VCF-style: chr20-60906103-G-A.
Other names: c.3635C>T (NM_005560.3); short protein forms A1212V.
Identifiers: ClinVar variation 2162636 (VCV002162636.5), dbSNP rs760260946, ClinGen allele CA9942913.

ClinVar aggregate classification (germline): Uncertain significance. Review status: criteria provided, multiple submitters, no conflicts (2 of 4 stars). 2 submissions from 2 submitters: Uncertain significance (2). Last evaluated 2025-11-02.

Conditions:
Inborn genetic diseases. Identifiers: MedGen C0950123, MeSH D030342.

Allele frequency attached by ClinVar (database versions not stated): gnomAD 0.00005; TOPMed 0.00005; ExAC 0.00008; gnomAD exomes 0.00016.
gnomAD v4.1: 237 of 1,601,064 alleles (0.015%); highest among the groups gnomAD compares: Non-Finnish European, 0.019%; 1 homozygote.

Submissions (2):

Ambry Genetics
Classification: Uncertain significance for Inborn genetic diseases. Last evaluated: 2025-11-02. Review status: criteria provided, single submitter. Criteria: Ambry Variant Classification Scheme 2023. Collection method: clinical testing. Allele origin: germline.

Labcorp Genetics (formerly Invitae), Labcorp
Classification: Uncertain significance. Last evaluated: 2022-01-07. Review status: criteria provided, single submitter. Criteria: Invitae Variant Classification Sherloc (09022015). Collection method: clinical testing. Allele origin: germline.
Comment: This sequence change replaces alanine, which is neutral and non-polar, with valine, which is neutral and non-polar, at codon 1212 of the LAMA5 protein (p.Ala1212Val). In summary, the available evidence is currently insufficient to determine the role of this variant in disease. Therefore, it has been classified as a Variant of Uncertain Significance. Algorithms developed to predict the effect of missense changes on protein structure and function output the following: SIFT: "Tolerated"; PolyPhen-2: "Benign"; Align-GVGD: "Class C0". The valine amino acid residue is found in multiple mammalian species, which suggests that this missense change does not adversely affect protein function. This missense change has been observed in individual(s) with nephrotic syndrome (Invitae). This variant is present in population databases (rs760260946, gnomAD 0.01%).